The following is an entry in ClinVar:

NM_001242957.3(MAK):c.530A>C (p.Tyr177Ser)

Gene: MAK (male germ cell associated kinase; minus strand). Cytogenetic location: 6p24.2.
Variant type: single nucleotide variant.
Coding change: c.530A>C on transcript NM_001242957.3 (MANE Select); coding-DNA position 530, A replaced by C.
Protein change: p.Tyr177Ser; replaces tyrosine 177 with serine.
Molecular consequence: missense variant. On other transcripts: non-coding transcript variant (2).
Genome position (GRCh38, 1-based): chr6:10,803,853, T>G on the plus strand (A>C on the coding strand, the complement: MAK is on the minus strand). VCF-style: chr6-10803853-T-G. GRCh37 (hg19) VCF-style: chr6-10804086-T-G.
Other names: c.428A>C, p.Tyr143Ser (NM_001377262.1); c.530A>C, p.Tyr177Ser (NM_005906.6, NM_001242385.2); short protein forms Y177S, Y143S.
Identifiers: ClinVar variation 3018474 (VCV003018474.3), dbSNP rs769213821, ClinGen allele CA3633683.
Genomic context (GRCh38, chr6:10,803,853, plus strand): 5'-CTTAACATATAGAGTTCAGCCATGATACTTCCAACAGCCCACACATCAATGGGAGAACTA[T>G]AAACTGAAGATCTCAGTAAAACTTCAGGGGCACGATACCTATGAAAATAGAGAACAAAAG-3'
Protein context (NP_001229886.1, residues 167-187): APEVLLRSSV[Tyr177Ser]SSPIDVWAVG

ClinVar aggregate classification (germline): Uncertain significance (1 of 4 stars; one submission).

Allele frequency attached by ClinVar (database versions not stated): gnomAD exomes below 0.00001; ExAC 0.00001; gnomAD 0.00003; TOPMed 0.00004.
gnomAD v4.1: 7 of 1,613,958 alleles (0.00043%); highest among the groups gnomAD compares: African/African-American, 0.0093%; no homozygotes.

Submission:

Labcorp Genetics (formerly Invitae), Labcorp
Classification: Uncertain significance. Last evaluated: 2022-10-27. Review status: criteria provided, single submitter. Criteria: Invitae Variant Classification Sherloc (09022015). Collection method: clinical testing. Allele origin: germline.
Comment: In summary, the available evidence is currently insufficient to determine the role of this variant in disease. Therefore, it has been classified as a Variant of Uncertain Significance. Advanced modeling of protein sequence and biophysical properties (such as structural, functional, and spatial information, amino acid conservation, physicochemical variation, residue mobility, and thermodynamic stability) performed at Invitae indicates that this missense variant is expected to disrupt MAK protein function. This variant has not been reported in the literature in individuals affected with MAK-related conditions. This variant is present in population databases (rs769213821, gnomAD 0.02%). This sequence change replaces tyrosine, which is neutral and polar, with serine, which is neutral and polar, at codon 177 of the MAK protein (p.Tyr177Ser).